The following is an entry in ClinVar:

ClinVar aggregate classification (germline): Uncertain significance (1 of 4 stars; one submission).

Conditions:
Inborn genetic diseases. Identifiers: MedGen C0950123, MeSH D030342.

Submission:

Ambry Genetics
Classification: Uncertain significance for Inborn genetic diseases. Last evaluated: 2021-04-07. Review status: criteria provided, single submitter. Criteria: Ambry Variant Classification Scheme 2023. Collection method: clinical testing. Allele origin: germline.
Comment: The c.1441-4T>C intronic alteration consists of a T to C substitution 4 nucleotides before exon 16 (coding exon 15) of the SLC18A2 gene. Based on insufficient or conflicting evidence, the clinical significance of this alteration remains unclear.

NM_003054.6(SLC18A2):c.1441-4T>C

Gene: SLC18A2 (solute carrier family 18 member A2; plus strand). Cytogenetic location: 10q25.3.
Variant type: single nucleotide variant.
Coding change: c.1441-4T>C on transcript NM_003054.6 (MANE Select); 4 bases into the intron before coding-DNA position 1441, T replaced by C.
Molecular consequence: intron variant.
Genome position (GRCh38, 1-based): chr10:117,277,158, T>C. VCF-style: chr10-117277158-T-C. GRCh37 (hg19) VCF-style: chr10-119036669-T-C.
Identifiers: ClinVar variation 2230500 (VCV002230500.2), dbSNP rs2493565380, ClinGen allele CA2580082397.